The following is an entry in ClinVar:

ClinVar aggregate classification (germline): Uncertain significance (1 of 4 stars; one submission).

Conditions:
Immunodeficiency 132A. Also called: Herpes simplex encephalitis, susceptibility to, 3. Identifiers: Orphanet 1930, MedGen C3553868, MONDO:0013920, OMIM 614849.

Submission:

Labcorp Genetics (formerly Invitae), Labcorp
Classification: Uncertain significance for Immunodeficiency 132A. Last evaluated: 2023-09-03. Review status: criteria provided, single submitter. Criteria: Invitae Variant Classification Sherloc (09022015). Collection method: clinical testing. Allele origin: germline.
Comment: This sequence change replaces tyrosine, which is neutral and polar, with cysteine, which is neutral and slightly polar, at codon 482 of the TRAF3 protein (p.Tyr482Cys). This variant is not present in population databases (gnomAD no frequency). In summary, the available evidence is currently insufficient to determine the role of this variant in disease. Therefore, it has been classified as a Variant of Uncertain Significance. An algorithm developed to predict the effect of missense changes on protein structure and function (PolyPhen-2) suggests that this variant is likely to be disruptive. ClinVar contains an entry for this variant (Variation ID: 1370588). This variant has not been reported in the literature in individuals affected with TRAF3-related conditions.

NM_145725.3(TRAF3):c.1445A>G (p.Tyr482Cys)

Gene: TRAF3 (TNF receptor associated factor 3; plus strand). Cytogenetic location: 14q32.32.
Variant type: single nucleotide variant.
Coding change: c.1445A>G on transcript NM_145725.3 (MANE Select); coding-DNA position 1445, A replaced by G.
Protein change: p.Tyr482Cys; replaces tyrosine 482 with cysteine.
Molecular consequence: missense variant.
Genome position (GRCh38, 1-based): chr14:102,905,522, A>G. VCF-style: chr14-102905522-A-G. GRCh37 (hg19) VCF-style: chr14-103371859-A-G.
Other names: c.1196A>G, p.Tyr399Cys (NM_001199427.2); c.1304A>G, p.Tyr435Cys (NM_001385142.1); c.1364A>G, p.Tyr455Cys (NM_001385143.1); c.1445A>G, p.Tyr482Cys (NM_003300.4); c.1370A>G, p.Tyr457Cys (NM_145726.3); short protein forms Y457C, Y482C, Y399C, Y435C, Y455C.
Identifiers: ClinVar variation 1370588 (VCV001370588.8), dbSNP rs2140011474, ClinGen allele CA391076865.